The following is an entry in ClinVar:

ClinVar aggregate classification (germline): Uncertain significance (1 of 4 stars; one submission).

Conditions:
Hypertrophic cardiomyopathy. Also called: HYPERTROPHIC MYOCARDIOPATHY. Identifiers: Orphanet 217569, MedGen C0007194, MeSH D002312, MONDO:0005045, HP:0001639.

Submission:

Labcorp Genetics (formerly Invitae), Labcorp
Classification: Uncertain significance for Hypertrophic cardiomyopathy. Last evaluated: 2021-10-24. Review status: criteria provided, single submitter. Criteria: Invitae Variant Classification Sherloc (09022015). Collection method: clinical testing. Allele origin: germline.
Comment: This variant is found within a region of MYH7 between codons 181 and 937 that contains the majority of the myosin head domain. Missense variants in this region have been shown to be significantly overrepresented in individuals with hypertrophic cardiomyopathy (PMID: 27532257). In summary, the available evidence is currently insufficient to determine the role of this variant in disease. Therefore, it has been classified as a Variant of Uncertain Significance. Algorithms developed to predict the effect of missense changes on protein structure and function are either unavailable or do not agree on the potential impact of this missense change (SIFT: "Deleterious"; PolyPhen-2: "Benign"; Align-GVGD: "Class C0"). This variant has not been reported in the literature in individuals affected with MYH7-related conditions. This variant is not present in population databases (gnomAD no frequency). This sequence change replaces alanine, which is neutral and non-polar, with threonine, which is neutral and polar, at codon 638 of the MYH7 protein (p.Ala638Thr).

Literature cited by the submitters: PubMed 27532257.

NM_000257.4(MYH7):c.1912G>A (p.Ala638Thr)

Gene: MYH7 (myosin heavy chain 7; minus strand). Cytogenetic location: 14q11.2.
Variant type: single nucleotide variant.
Coding change: c.1912G>A on transcript NM_000257.4 (MANE Select); coding-DNA position 1912, G replaced by A.
Protein change: p.Ala638Thr; replaces alanine 638 with threonine.
Molecular consequence: missense variant.
Genome position (GRCh38, 1-based): chr14:23,427,284, C>T on the plus strand (G>A on the coding strand, the complement: MYH7 is on the minus strand). VCF-style: chr14-23427284-C-T. GRCh37 (hg19) VCF-style: chr14-23896493-C-T.
Other names: short protein forms A638T.
Identifiers: ClinVar variation 1389018 (VCV001389018.6), dbSNP rs2138671153, ClinGen allele CA389049551.